The following is an entry in ClinVar:

NM_001875.5(CPS1):c.*658A>G

Gene: CPS1 (carbamoyl-phosphate synthase 1; plus strand). Cytogenetic location: 2q34.
Variant type: single nucleotide variant.
Coding change: c.*658A>G on transcript NM_001875.5 (MANE Select); 658 bases downstream of the stop codon, A replaced by G.
Molecular consequence: 3 prime UTR variant. On other transcripts: non-coding transcript variant (2).
Genome position (GRCh38, 1-based): chr2:210,678,643, A>G. VCF-style: chr2-210678643-A-G. GRCh37 (hg19) VCF-style: chr2-211543367-A-G.
Other names: c.*658A>G (NM_001122633.3, NM_001369256.1, NM_001369257.1).
Identifiers: ClinVar variation 898938 (VCV000898938.5), dbSNP rs559191307, ClinGen allele CA64748901.

ClinVar aggregate classification (germline): Benign. Review status: criteria provided, multiple submitters, no conflicts (2 of 4 stars). 2 submissions from 2 submitters: Benign (2). Last evaluated 2018-01-13.

Conditions:
Congenital hyperammonemia, type I. Also called: CPS I DEFICIENCY; Carbamoyl-phosphate synthase I deficiency; Carbamoyl phosphate synthetase 1 deficiency; Hyperammonemia due to carbamoyl phosphate synthetase 1 deficiency; CPS 1 deficiency; Carbamyl phosphate synthetase (CPS) deficiency. Identifiers: Orphanet 147, MedGen C4082171, MONDO:0009376, OMIM 237300.

Allele frequency attached by ClinVar (database versions not stated): gnomAD 0.00005 and 0.00077; TOPMed 0.00022; gnomAD exomes 0.00203; 1000 Genomes Project 0.00639; 1000 Genomes Project 30x 0.00656.
gnomAD v4.1: 118 of 153,506 alleles (0.077%); highest among the groups gnomAD compares: South Asian, 2.3%; no homozygotes.

Submissions (2):

Illumina Laboratory Services, Illumina
Classification: Benign for Congenital hyperammonemia, type I. Last evaluated: 2018-01-13. Review status: criteria provided, single submitter. Criteria: ICSL Variant Classification Criteria 13 December 2019. Collection method: clinical testing. Allele origin: germline.
Comment: This variant was observed in the ICSL laboratory as part of a predisposition screen in an ostensibly healthy population. It had not been previously curated by ICSL or reported in the Human Gene Mutation Database (HGMD: prior to June 1st, 2018), and was therefore a candidate for classification through an automated scoring system. Utilizing variant allele frequency, disease prevalence and penetrance estimates, and inheritance mode, an automated score was calculated to assess if this variant is too frequent to cause the disease. Based on the score and internal cut-off values, a variant classified as benign is not then subjected to further curation. The score for this variant resulted in a classification of benign for this disease.

Breakthrough Genomics
Classification: Benign. Review status: criteria provided, single submitter. Criteria: ACMG Guidelines, 2015. Collection method: not provided. Allele origin: germline. Inheritance: Autosomal recessive inheritance. Affected: yes.